The following is an entry in ClinVar:

ClinVar aggregate classification (germline): Uncertain significance (1 of 4 stars; one submission).

Submission:

Labcorp Genetics (formerly Invitae), Labcorp
Classification: Uncertain significance. Last evaluated: 2024-02-24. Review status: criteria provided, single submitter. Criteria: Invitae Variant Classification Sherloc (09022015). Collection method: clinical testing. Allele origin: germline.
Comment: This sequence change creates a premature translational stop signal (p.Leu254*) in the SLC7A13 gene. It is expected to result in an absent or disrupted protein product. However, the current clinical and genetic evidence is not sufficient to establish whether loss-of-function variants in SLC7A13 cause disease. This variant is not present in population databases (gnomAD no frequency). This variant has not been reported in the literature in individuals affected with SLC7A13-related conditions. ClinVar contains an entry for this variant (Variation ID: 1375256). In summary, the available evidence is currently insufficient to determine the role of this variant in disease. Therefore, it has been classified as a Variant of Uncertain Significance.

NM_138817.3(SLC7A13):c.761T>A (p.Leu254Ter)

Gene: SLC7A13 (solute carrier family 7 member 13; minus strand). Cytogenetic location: 8q21.3.
Variant type: single nucleotide variant.
Coding change: c.761T>A on transcript NM_138817.3 (MANE Select); coding-DNA position 761, T replaced by A.
Protein change: p.Leu254Ter; replaces leucine 254 with a stop codon.
Molecular consequence: nonsense.
Genome position (GRCh38, 1-based): chr8:86,223,028, A>T on the plus strand (T>A on the coding strand, the complement: SLC7A13 is on the minus strand). VCF-style: chr8-86223028-A-T. GRCh37 (hg19) VCF-style: chr8-87235257-A-T.
Other names: short protein forms L254*.
Identifiers: ClinVar variation 1375256 (VCV001375256.6), dbSNP rs747442810, ClinGen allele CA371433167.
Genomic context (GRCh38, chr8:86,223,028, plus strand): 5'-AAACCTGAAGAGAGAATTTCCCTGGGTGTCAGAACAGTCAGATAGGAAATGTTAACCAGT[A>T]AATAAACTACAGTCACCAGAGGTAACGCAGTAAATATGCATTTGGGAATTGTTGTTCTGG-3'